The following is an entry in ClinVar:

ClinVar aggregate classification (germline): Likely pathogenic (1 of 4 stars; one submission).

Conditions:
Epidermolysis bullosa simplex 3, localized or generalized intermediate, with BP230 deficiency (EBS3). Also called: Epidermolysis bullosa simplex, autosomal recessive 2; Epidermolysis bullosa simplex due to BP230 deficiency. Identifiers: Orphanet 412181, MedGen C3809470, MONDO:0014180, OMIM 615425.
Hereditary sensory and autonomic neuropathy type 6. Also called: Neuropathy, hereditary sensory and autonomic, type VI; HSAN VI. Identifiers: Orphanet 314381, MedGen C3539003, MONDO:0013839, OMIM 614653.

Submission:

Labcorp Genetics (formerly Invitae), Labcorp
Classification: Likely pathogenic for Epidermolysis bullosa simplex 3, localized or generalized intermediate, with BP230 deficiency; Hereditary sensory and autonomic neuropathy type 6. Last evaluated: 2022-08-03. Review status: criteria provided, single submitter. Criteria: Invitae Variant Classification Sherloc (09022015). Collection method: clinical testing. Allele origin: germline.
Comment: This variant is not present in population databases (gnomAD no frequency). The DST gene has multiple clinically relevant transcripts. This variant occurs in alternate transcript NM_015548.4, and corresponds to NM_001723.5:c.*133338G>A in the primary transcript. This sequence change affects an acceptor splice site in intron 70 of the DST gene. It is expected to disrupt RNA splicing. Variants that disrupt the donor or acceptor splice site typically lead to a loss of protein function (PMID: 16199547), and loss-of-function variants in DST are known to be pathogenic (PMID: 22522446, 25059916, 30371979). This variant has not been reported in the literature in individuals affected with DST-related conditions. In summary, the currently available evidence indicates that the variant is pathogenic, but additional data are needed to prove that conclusively. Therefore, this variant has been classified as Likely Pathogenic.

Literature cited by the submitters: PubMed 16199547; PubMed 22522446; PubMed 25059916; PubMed 30371979.

NM_001374736.1(DST):c.21403-1G>A

Gene: DST (dystonin; minus strand). Cytogenetic location: 6p12.1.
Variant type: single nucleotide variant.
Coding change: c.21403-1G>A on transcript NM_001374736.1 (MANE Select); the canonical splice acceptor site of the intron before coding-DNA position 21403, G replaced by A.
Molecular consequence: splice acceptor variant.
Genome position (GRCh38, 1-based): chr6:56,482,179, C>T on the plus strand (G>A on the coding strand, the complement: DST is on the minus strand). VCF-style: chr6-56482179-C-T. GRCh37 (hg19) VCF-style: chr6-56346977-C-T.
Other names: c.21430-1G>A (NM_001374734.1); c.14632-1G>A (NM_001144770.2); c.14185-1G>A (NM_001374730.1); c.14512-1G>A (NM_001386100.1, NM_183380.4); c.20443-1G>A (NM_001374729.1); c.13534-1G>A (NM_015548.5); c.15046-1G>A (NM_001144769.5); c.21403-1G>A (NM_001374722.1).
Identifiers: ClinVar variation 2021347 (VCV002021347.4), dbSNP rs2533686042, ClinGen allele CA364511989.